The following is an entry in ClinVar:

NM_001040142.2(SCN2A):c.4655C>T (p.Thr1552Ile)

Gene: SCN2A (sodium voltage-gated channel alpha subunit 2; plus strand). Cytogenetic location: 2q24.3.
Variant type: single nucleotide variant.
Coding change: c.4655C>T on transcript NM_001040142.2 (MANE Select); coding-DNA position 4655, C replaced by T.
Protein change: p.Thr1552Ile; replaces threonine 1552 with isoleucine.
Molecular consequence: missense variant.
Genome position (GRCh38, 1-based): chr2:165,386,849, C>T. VCF-style: chr2-165386849-C-T. GRCh37 (hg19) VCF-style: chr2-166243359-C-T.
Other names: c.4655C>T, p.Thr1552Ile (NM_001040143.2, NM_001371246.1, NM_001371247.1 and 1 more transcripts); short protein forms T1552I.
Identifiers: ClinVar variation 2100464 (VCV002100464.4), dbSNP rs2468149632, ClinGen allele CA349036385.

ClinVar aggregate classification (germline): Uncertain significance (1 of 4 stars; one submission).

Conditions:
Seizures, benign familial infantile, 3 (BFIS3). Also called: CONVULSIONS, BENIGN FAMILIAL INFANTILE, 3; Familial neonatal seizures. Identifiers: Orphanet 140927, Orphanet 306, MedGen C1843140, MONDO:0011904, OMIM 607745.
Developmental and epileptic encephalopathy, 11 (DEE11). Also called: Early infantile epileptic encephalopathy 11. Identifiers: Orphanet 1934, MedGen C3150987, MONDO:0013388, OMIM 613721.

Submission:

Labcorp Genetics (formerly Invitae), Labcorp
Classification: Uncertain significance for Seizures, benign familial infantile, 3; Developmental and epileptic encephalopathy, 11. Last evaluated: 2022-02-20. Review status: criteria provided, single submitter. Criteria: Invitae Variant Classification Sherloc (09022015). Collection method: clinical testing. Allele origin: germline.
Comment: This sequence change replaces threonine, which is neutral and polar, with isoleucine, which is neutral and non-polar, at codon 1552 of the SCN2A protein (p.Thr1552Ile). This variant is not present in population databases (gnomAD no frequency). This variant has not been reported in the literature in individuals affected with SCN2A-related conditions. Algorithms developed to predict the effect of missense changes on protein structure and function are either unavailable or do not agree on the potential impact of this missense change (SIFT: "Deleterious"; PolyPhen-2: "Probably Damaging"; Align-GVGD: "Class C0"). In summary, the available evidence is currently insufficient to determine the role of this variant in disease. Therefore, it has been classified as a Variant of Uncertain Significance.